The following is an entry in ClinVar:

ClinVar aggregate classification (germline): Uncertain significance (1 of 4 stars; one submission).

gnomAD v4.1: 25 of 1,472,614 alleles (0.0017%); highest among the groups gnomAD compares: Non-Finnish European, 0.0023%; no homozygotes.

Submission:

Women's Health and Genetics/Laboratory Corporation of America, LabCorp
Classification: Uncertain significance. Last evaluated: 2024-11-19. Review status: criteria provided, single submitter. Criteria: LabCorp Variant Classification Summary - May 2015. Collection method: clinical testing. Allele origin: germline.
Comment: Variant summary: CHD1 c.3436G>C (p.Glu1146Gln) results in a conservative amino acid change located in the CDH1/2 SANT-Helical linker 1 domain (IPR040793) of the encoded protein sequence. Four of five in-silico tools predict a benign effect of the variant on protein function. The variant allele was found at a frequency of 4.2e-06 in 238678 control chromosomes. The available data on variant occurrences in the general population are insufficient to allow any conclusion about variant significance. To our knowledge, no occurrence of c.3436G>C in individuals affected with Pilarowski-Bjornsson Syndrome and no experimental evidence demonstrating its impact on protein function have been reported. No submitters have cited clinical-significance assessments for this variant to ClinVar. Based on the evidence outlined above, the variant was classified as uncertain significance.

NM_001270.4(CHD1):c.3436G>C (p.Glu1146Gln)

Gene: CHD1 (chromodomain helicase DNA binding protein 1; minus strand). Cytogenetic location: 5q15.
Variant type: single nucleotide variant.
Coding change: c.3436G>C on transcript NM_001270.4 (MANE Select); coding-DNA position 3436, G replaced by C.
Protein change: p.Glu1146Gln; replaces glutamic acid 1146 with glutamine.
Molecular consequence: missense variant. On other transcripts: non-coding transcript variant (2).
Genome position (GRCh38, 1-based): chr5:98,875,076, C>G on the plus strand (G>C on the coding strand, the complement: CHD1 is on the minus strand). VCF-style: chr5-98875076-C-G. GRCh37 (hg19) VCF-style: chr5-98210780-C-G.
Other names: c.3436G>C, p.Glu1146Gln (NM_001364113.3, NM_001376194.2); short protein forms E1146Q.
Identifiers: ClinVar variation 3630017 (VCV003630017.1).